The following is an entry in ClinVar:

NM_001848.3(COL6A1):c.475G>A (p.Gly159Arg)

Gene: COL6A1 (collagen type VI alpha 1 chain; plus strand). Cytogenetic location: 21q22.3.
Variant type: single nucleotide variant.
Coding change: c.475G>A on transcript NM_001848.3 (MANE Select); coding-DNA position 475, G replaced by A.
Protein change: p.Gly159Arg; replaces glycine 159 with arginine.
Molecular consequence: missense variant.
Genome position (GRCh38, 1-based): chr21:45,986,572, G>A. VCF-style: chr21-45986572-G-A. GRCh37 (hg19) VCF-style: chr21-47406486-G-A.
Other names: short protein forms G159R.
Identifiers: ClinVar variation 843818 (VCV000843818.11), dbSNP rs1471465037, ClinGen allele CA410517865.

ClinVar aggregate classification (germline): Conflicting classifications of pathogenicity. Review status: criteria provided, conflicting classifications (1 of 4 stars). 2 submissions from 2 submitters: Likely pathogenic (1); Uncertain significance (1). Last evaluated 2021-08-10.

Conditions:
Bethlem myopathy 1A. Also called: MYOPATHY, BENIGN CONGENITAL, WITH CONTRACTURES; Bethlem Muscular Dystrophy; Bethlem myopathy 1. Identifiers: Orphanet 610, MedGen CN029274, MONDO:0024530, OMIM 158810.
Ullrich congenital muscular dystrophy 1A. Also called: Intermediate COL6-RD; Ullrich congenital muscular dystrophy 1. Identifiers: Orphanet 75840, MedGen C0410179, MONDO:0009681, OMIM 254090.

Allele frequency attached by ClinVar (database versions not stated): gnomAD exomes below 0.00001; TOPMed 0.00001.
gnomAD v4.1: 7 of 1,565,756 alleles (0.00045%); highest among the groups gnomAD compares: East Asian, 0.0024%; no homozygotes.

Submissions (2):

Laboratory of Medical Genetics, National & Kapodistrian University of Athens
Classification: Likely pathogenic for Ullrich congenital muscular dystrophy 1A. Last evaluated: 2021-08-10. Review status: criteria provided, single submitter. Criteria: ACMG Guidelines, 2015. Collection method: clinical testing. Allele origin: paternal. Affected: yes.
Comment: PM1, PM2, PM3, PP2, PP3

Labcorp Genetics (formerly Invitae), Labcorp
Classification: Uncertain significance for Bethlem myopathy 1A. Last evaluated: 2019-10-16. Review status: criteria provided, single submitter. Criteria: Invitae Variant Classification Sherloc (09022015). Collection method: clinical testing. Allele origin: germline.
Comment: In summary, the available evidence is currently insufficient to determine the role of this variant in disease. Therefore, it has been classified as a Variant of Uncertain Significance. Algorithms developed to predict the effect of sequence changes on RNA splicing suggest that this variant may create or strengthen a splice site, but this prediction has not been confirmed by published transcriptional studies. Algorithms developed to predict the effect of missense changes on protein structure and function are either unavailable or do not agree on the potential impact of this missense change (SIFT: "Deleterious"; PolyPhen-2: "Not Available"; Align-GVGD: "Class C15"). This variant has not been reported in the literature in individuals with COL6A1-related conditions. This variant is not present in population databases (ExAC no frequency). This sequence change replaces glycine with arginine at codon 159 of the COL6A1 protein (p.Gly159Arg). The glycine residue is highly conserved and there is a moderate physicochemical difference between glycine and arginine.

Literature cited by the submitters: PubMed 34008892 (cited by Laboratory of Medical Genetics, National & Kapodistrian University of Athens).